The following is an entry in ClinVar:

ClinVar aggregate classification (germline): Uncertain significance. Review status: criteria provided, multiple submitters, no conflicts (2 of 4 stars). 2 submissions from 2 submitters: Uncertain significance (2). Last evaluated 2025-09-22.

Conditions:
Snijders Blok-Campeau syndrome. Also called: INTELLECTUAL DEVELOPMENTAL DISORDER WITH MACROCEPHALY, SPEECH DELAY, AND DYSMORPHIC FACIES. Identifiers: Orphanet 599082, MedGen C4748701, MONDO:0032600, OMIM 618205.
Inborn genetic diseases. Identifiers: MedGen C0950123, MeSH D030342.

Submissions (2):

Ambry Genetics
Classification: Uncertain significance for Inborn genetic diseases. Last evaluated: 2025-09-22. Review status: criteria provided, single submitter. Criteria: Ambry Variant Classification Scheme 2023. Collection method: clinical testing. Allele origin: germline.

Dasa
Classification: Uncertain significance for Snijders Blok-Campeau syndrome. Last evaluated: 2025-07-09. Review status: criteria provided, single submitter. Criteria: DASA Assertion Criteria. Collection method: clinical testing. Allele origin: germline.
Comment: NM_001005273.3(CHD3):c.758C>G (p.Pro253Arg) is a missense variant that results in the substitution of proline with arginine. This variant is absent from population databases. Computational prediction algorithms are consistent with a benign effect. The currently available literature and clinical evidence are not sufficient to establish a definitive association between this variant and the reported condition. Therefore, this variant is classified as a variant of uncertain significance.

NM_001005273.3(CHD3):c.758C>G (p.Pro253Arg)

Gene: CHD3 (chromodomain helicase DNA binding protein 3; plus strand). Cytogenetic location: 17p13.1.
Variant type: single nucleotide variant.
Coding change: c.758C>G on transcript NM_001005273.3 (MANE Select); coding-DNA position 758, C replaced by G.
Protein change: p.Pro253Arg; replaces proline 253 with arginine.
Molecular consequence: missense variant.
Genome position (GRCh38, 1-based): chr17:7,893,534, C>G. VCF-style: chr17-7893534-C-G. GRCh37 (hg19) VCF-style: chr17-7796852-C-G.
Other names: c.935C>G, p.Pro312Arg (NM_001005271.3, NM_001437504.1, NM_001437507.1 and 2 more transcripts); c.758C>G, p.Pro253Arg (NM_005852.4); short protein forms P312R, P253R.
Identifiers: ClinVar variation 4614516 (VCV004614516.3).